The following is an entry in ClinVar:

ClinVar aggregate classification (germline): Uncertain significance (1 of 4 stars; one submission).

Conditions:
Inborn genetic diseases. Identifiers: MedGen C0950123, MeSH D030342.

Submission:

Ambry Genetics
Classification: Uncertain significance for Inborn genetic diseases. Last evaluated: 2025-02-26. Review status: criteria provided, single submitter. Criteria: Ambry Variant Classification Scheme 2023. Collection method: clinical testing. Allele origin: germline.
Comment: The p.Q153P variant (also known as c.458A>C), located in coding exon 4 of the RTEL1 gene, results from an A to C substitution at nucleotide position 458. The glutamine at codon 153 is replaced by proline, an amino acid with similar properties. This amino acid position is conserved. In addition, the in silico prediction for this alteration is inconclusive. Based on the available evidence, the clinical significance of this variant remains unclear.

NM_001283009.2(RTEL1):c.458A>C (p.Gln153Pro)

Genes: RTEL1 (regulator of telomere elongation helicase 1; plus strand), RTEL1-TNFRSF6B (RTEL1-TNFRSF6B readthrough (NMD candidate); plus strand). Cytogenetic location: 20q13.33.
Variant type: single nucleotide variant.
Coding change: c.458A>C on transcript NM_001283009.2 (MANE Select); coding-DNA position 458, A replaced by C.
Protein change: p.Gln153Pro; replaces glutamine 153 with proline.
Molecular consequence: missense variant. On other transcripts: non-coding transcript variant (1), 5 prime UTR variant (1).
Genome position (GRCh38, 1-based): chr20:63,662,608, A>C. VCF-style: chr20-63662608-A-C. GRCh37 (hg19) VCF-style: chr20-62293961-A-C.
Other names: c.-212A>C (NM_001283010.1); c.458A>C, p.Gln153Pro (NM_016434.4); c.530A>C, p.Gln177Pro (NM_032957.5); short protein forms Q153P, Q177P.
Identifiers: ClinVar variation 3791184 (VCV003791184.1).